The following is an entry in ClinVar:

ClinVar aggregate classification (germline): Conflicting classifications of pathogenicity. Review status: criteria provided, conflicting classifications (1 of 4 stars). 4 submissions from 4 submitters: Uncertain significance (1); Likely benign (2). 1 of the submissions does not count toward it. Last evaluated 2026-01-26.

Conditions:
IFT140-related disorder. Also called: IFT140-related condition.
Saldino-Mainzer syndrome (SRTD9). Also called: CONORENAL SYNDROME; Renal dysplasia, retinal pigmentary dystrophy, cerebellar ataxia and skeletal dysplasia; SHORT-RIB THORACIC DYSPLASIA 9 WITHOUT POLYDACTYLY; short-rib thoracic dysplasia 9 with or without polydactyly. Identifiers: Orphanet 140969, MedGen C1849437, MONDO:0009964, OMIM 266920.
Retinitis pigmentosa 80 (RP80). Identifiers: MedGen C4540439, MONDO:0054708, OMIM 617781.

Allele frequency attached by ClinVar (database versions not stated): gnomAD 0.00001 and 0.00015; TOPMed 0.00002; gnomAD exomes 0.00029; ExAC 0.00060; 1000 Genomes Project 30x 0.00094; 1000 Genomes Project 0.00120.
gnomAD v4.1: 238 of 1,606,814 alleles (0.015%); highest among the groups gnomAD compares: South Asian, 0.24%; no homozygotes.

Submissions (4):

Labcorp Genetics (formerly Invitae), Labcorp
Classification: Likely benign for Saldino-Mainzer syndrome. Last evaluated: 2026-01-26. Review status: criteria provided, single submitter. Criteria: Invitae Variant Classification Sherloc (09022015). Collection method: clinical testing. Allele origin: germline.

Blueprint Genetics
Classification: Likely benign. Last evaluated: 2024-10-25. Review status: criteria provided, single submitter. Criteria: ACMG Guidelines, 2015. Collection method: clinical testing. Allele origin: germline.

Fulgent Genetics
Classification: Uncertain significance for Saldino-Mainzer syndrome; Retinitis pigmentosa 80. Last evaluated: 2024-05-11. Review status: criteria provided, single submitter. Criteria: ACMG Guidelines, 2015. Collection method: clinical testing. Allele origin: germline.

PreventionGenetics, part of Exact Sciences
Classification: Likely benign for IFT140-related condition. Last evaluated: 2024-09-16. Review status: no assertion criteria provided. Collection method: clinical testing. Allele origin: germline. Not counted in ClinVar's aggregate classification.
Comment: This variant is classified as likely benign based on ACMG/AMP sequence variant interpretation guidelines (Richards et al. 2015 PMID: 25741868, with internal and published modifications).

NM_014714.4(IFT140):c.3596G>A (p.Cys1199Tyr)

Gene: IFT140 (intraflagellar transport 140; minus strand). Cytogenetic location: 16p13.3.
Variant type: single nucleotide variant.
Coding change: c.3596G>A on transcript NM_014714.4 (MANE Select); coding-DNA position 3596, G replaced by A.
Protein change: p.Cys1199Tyr; replaces cysteine 1199 with tyrosine.
Molecular consequence: missense variant.
Genome position (GRCh38, 1-based): chr16:1,520,666, C>T on the plus strand (G>A on the coding strand, the complement: IFT140 is on the minus strand). VCF-style: chr16-1520666-C-T. GRCh37 (hg19) VCF-style: chr16-1570667-C-T.
Other names: c.3596G>A (NM_014714.3); short protein forms C1199Y.
Identifiers: ClinVar variation 1120688 (VCV001120688.12), dbSNP rs535064774, ClinGen allele CA7813103.